The following is an entry in ClinVar:

NM_000459.5(TEK):c.*555C>T

Gene: TEK (TEK receptor tyrosine kinase; plus strand). Cytogenetic location: 9p21.2.
Variant type: single nucleotide variant.
Coding change: c.*555C>T on transcript NM_000459.5 (MANE Select); 555 bases downstream of the stop codon, C replaced by T.
Molecular consequence: 3 prime UTR variant.
Genome position (GRCh38, 1-based): chr9:27,229,787, C>T. VCF-style: chr9-27229787-C-T. GRCh37 (hg19) VCF-style: chr9-27229785-C-T.
Other names: c.*555C>T (NM_001290077.2, NM_001290078.2, NM_001375475.1 and 1 more transcripts).
Identifiers: ClinVar variation 366469 (VCV000366469.6), dbSNP rs182565061, ClinGen allele CA10629871.

ClinVar aggregate classification (germline): Benign. Review status: criteria provided, multiple submitters, no conflicts (2 of 4 stars). 2 submissions from 2 submitters: Benign (2). Last evaluated 2018-01-12.

Conditions:
Multiple cutaneous and mucosal venous malformations (VMCM). Also called: TEK-Related Multiple Cutaneous and Mucosal Venous Malformations (VMCM). Identifiers: Orphanet 2451, MedGen C1838437, MONDO:0010842, OMIM 600195.

Allele frequency attached by ClinVar (database versions not stated): TOPMed 0.00463; 1000 Genomes Project 30x 0.00422; gnomAD 0.00510 and 0.00555; 1000 Genomes Project 0.00439; gnomAD exomes 0.00637.
gnomAD v4.1: 897 of 162,518 alleles (0.55%); highest among the groups gnomAD compares: South Asian, 1.6%; 7 homozygotes.

Submissions (2):

Illumina Laboratory Services, Illumina
Classification: Benign for Multiple cutaneous and mucosal venous malformations. Last evaluated: 2018-01-12. Review status: criteria provided, single submitter. Criteria: ICSL Variant Classification Criteria 13 December 2019. Collection method: clinical testing. Allele origin: germline.
Comment: This variant was observed in the ICSL laboratory as part of a predisposition screen in an ostensibly healthy population. It had not been previously curated by ICSL or reported in the Human Gene Mutation Database (HGMD: prior to June 1st, 2018), and was therefore a candidate for classification through an automated scoring system. Utilizing variant allele frequency, disease prevalence and penetrance estimates, and inheritance mode, an automated score was calculated to assess if this variant is too frequent to cause the disease. Based on the score and internal cut-off values, a variant classified as benign is not then subjected to further curation. The score for this variant resulted in a classification of benign for this disease.

Breakthrough Genomics
Classification: Benign. Review status: criteria provided, single submitter. Criteria: ACMG Guidelines, 2015. Collection method: not provided. Allele origin: germline. Inheritance: Autosomal dominant inheritance. Affected: yes.